The following is an entry in ClinVar:

ClinVar aggregate classification (germline): Uncertain significance. Review status: criteria provided, multiple submitters, no conflicts (2 of 4 stars). 4 submissions from 3 submitters: Uncertain significance (4). Last evaluated 2025-04-24.

Conditions:
Autosomal recessive nonsyndromic hearing loss 21. Identifiers: Orphanet 90636, MedGen C1863655, MONDO:0011351, OMIM 603629.
Inborn genetic diseases. Identifiers: MedGen C0950123, MeSH D030342.
Autosomal dominant nonsyndromic hearing loss 12. Also called: DEAFNESS, AUTOSOMAL DOMINANT 8. Identifiers: Orphanet 90635, MedGen C1832187, MONDO:0011102, OMIM 601543.

Allele frequency attached by ClinVar (database versions not stated): ExAC 0.00001; gnomAD exomes 0.00001; TOPMed 0.00002.
gnomAD v4.1: 41 of 1,614,084 alleles (0.0025%); highest among the groups gnomAD compares: Non-Finnish European, 0.0031%; no homozygotes.

Submissions (4):

Ambry Genetics
Classification: Uncertain significance for Inborn genetic diseases. Last evaluated: 2025-04-24. Review status: criteria provided, single submitter. Criteria: Ambry Variant Classification Scheme 2023. Collection method: clinical testing. Allele origin: germline.

Laboratory for Molecular Medicine, Mass General Brigham Personalized Medicine
Classification: Uncertain significance. Last evaluated: 2018-02-10. Review status: criteria provided, single submitter. Criteria: LMM Criteria. Collection method: clinical testing. Allele origin: germline. Observed: 2 variant alleles.
Comment: It has also been identified in 2/111716 European chromosomes by the Genome Aggr egation Database (gnomAD; dbSNP rs746231346). Although this variant has been seen in the general population, its frequency is not high enough to rule out a pathogenic role. Computational prediction tools an d conservation analysis do not provide strong support for or against an impact t o the protein. In summary, the clinical significance of the p.Val1207Met variant is uncertain. ACMG/AMP Criteria applied: PM2.

Illumina Laboratory Services, Illumina
Classification: Uncertain significance for Autosomal dominant nonsyndromic hearing loss 12. Last evaluated: 2018-01-13. Review status: criteria provided, single submitter. Criteria: ICSL Variant Classification Criteria 13 December 2019. Collection method: clinical testing. Allele origin: germline.

Illumina Laboratory Services, Illumina
Classification: Uncertain significance for Autosomal recessive nonsyndromic hearing loss 21. Last evaluated: 2018-01-13. Review status: criteria provided, single submitter. Criteria: ICSL Variant Classification Criteria 13 December 2019. Collection method: clinical testing. Allele origin: germline.

NM_005422.4(TECTA):c.3619G>A (p.Val1207Met)

Genes: TECTA (tectorin alpha; plus strand), TBCEL-TECTA (TBCEL-TECTA readthrough; plus strand). Cytogenetic location: 11q23.3.
Variant type: single nucleotide variant.
Coding change: c.3619G>A on transcript NM_005422.4 (MANE Select); coding-DNA position 3619, G replaced by A.
Protein change: p.Val1207Met; replaces valine 1207 with methionine.
Molecular consequence: missense variant.
Genome position (GRCh38, 1-based): chr11:121,145,630, G>A. VCF-style: chr11-121145630-G-A. GRCh37 (hg19) VCF-style: chr11-121016339-G-A.
Other names: c.4576G>A, p.Val1526Met (NM_001378761.1); short protein forms V1207M, V1526M.
Identifiers: ClinVar variation 229299 (VCV000229299.12), dbSNP rs746231346, ClinGen allele CA6327259.
Genomic context (GRCh38, chr11:121,145,630, plus strand): 5'-CTCTATCTGCCCCTGAAGCTGGGGCAAGGGAAGATAAATATCTTTTCCTTTGGCTTCCAC[G>A]TGGTGGTGGAAACTGATTTTGGCCTGAAGGTTGTATATGACTGGAAGACCTTCCTGTCCA-3'
Protein context (NP_005413.2, residues 1197-1217): KINIFSFGFH[Val1207Met]VVETDFGLKV